The following is an entry in ClinVar:

ClinVar aggregate classification (germline): Benign/Likely benign. Review status: criteria provided, multiple submitters, no conflicts (2 of 4 stars). 4 submissions from 4 submitters: Benign (2); Likely benign (2). Last evaluated 2025-06-05.

Conditions:
Rotor syndrome (HBLRR). Also called: HYPERBILIRUBINEMIA, ROTOR TYPE, DIGENIC; HYPERBILIRUBINEMIA, ROTOR TYPE. Identifiers: Orphanet 3111, MedGen C0220991, MONDO:0009379, OMIM 237450.

Allele frequency attached by ClinVar (database versions not stated): ESP Exome Variant Server 0.00031; gnomAD 0.00051 and 0.00102; TOPMed 0.00060; gnomAD exomes 0.00115 and 0.00187; ExAC 0.00220; 1000 Genomes Project 30x 0.00297; 1000 Genomes Project 0.00319.
gnomAD v4.1: 1,747 of 1,519,372 alleles (0.11%); highest among the groups gnomAD compares: South Asian, 1.2%; 19 homozygotes.

Submissions (4):

ARUP Laboratories, Molecular Genetics and Genomics, ARUP Laboratories
Classification: Likely benign for Rotor syndrome. Last evaluated: 2025-06-05. Review status: criteria provided, single submitter. Criteria: ARUP Molecular Germline Variant Investigation Process 2024. Collection method: clinical testing. Allele origin: germline.

Blueprint Genetics
Classification: Likely benign. Last evaluated: 2024-11-26. Review status: criteria provided, single submitter. Criteria: ACMG Guidelines, 2015. Collection method: clinical testing. Allele origin: germline.

Labcorp Genetics (formerly Invitae), Labcorp
Classification: Benign. Last evaluated: 2018-04-03. Review status: criteria provided, single submitter. Criteria: Invitae Variant Classification Sherloc (09022015). Collection method: clinical testing. Allele origin: germline.

Illumina Laboratory Services, Illumina
Classification: Benign for Rotor syndrome. Last evaluated: 2018-01-13. Review status: criteria provided, single submitter. Criteria: ICSL Variant Classification Criteria 13 December 2019. Collection method: clinical testing. Allele origin: germline.
Comment: This variant was observed in the ICSL laboratory as part of a predisposition screen in an ostensibly healthy population. It had not been previously curated by ICSL or reported in the Human Gene Mutation Database (HGMD: prior to June 1st, 2018), and was therefore a candidate for classification through an automated scoring system. Utilizing variant allele frequency, disease prevalence and penetrance estimates, and inheritance mode, an automated score was calculated to assess if this variant is too frequent to cause the disease. Based on the score and internal cut-off values, a variant classified as benign is not then subjected to further curation. The score for this variant resulted in a classification of benign for this disease.

NM_019844.4(SLCO1B3):c.1857A>T (p.Val619=)

Genes: SLCO1B3 (solute carrier organic anion transporter family member 1B3; plus strand), SLCO1B3-SLCO1B7 (SLCO1B3-SLCO1B7 readthrough; plus strand). Cytogenetic location: 12p12.2.
Variant type: single nucleotide variant.
Coding change: c.1857A>T on transcript NM_019844.4 (MANE Select); coding-DNA position 1857, A replaced by T.
Protein change: p.Val619=; no amino-acid change (valine 619 retained).
Molecular consequence: synonymous variant.
Genome position (GRCh38, 1-based): chr12:20,901,459, A>T. VCF-style: chr12-20901459-A-T. GRCh37 (hg19) VCF-style: chr12-21054393-A-T.
Other names: c.1773A>T, p.Val591= (NM_001349920.2).
Identifiers: ClinVar variation 307912 (VCV000307912.20), dbSNP rs143827641, ClinGen allele CA6475727.